The following is an entry in ClinVar:

ClinVar aggregate classification (germline): Uncertain significance (1 of 4 stars; one submission).

Submission:

Labcorp Genetics (formerly Invitae), Labcorp
Classification: Uncertain significance. Last evaluated: 2021-10-10. Review status: criteria provided, single submitter. Criteria: Invitae Variant Classification Sherloc (09022015). Collection method: clinical testing. Allele origin: germline.
Comment: In summary, the available evidence is currently insufficient to determine the role of this variant in disease. Therefore, it has been classified as a Variant of Uncertain Significance. Algorithms developed to predict the effect of missense changes on protein structure and function (SIFT, PolyPhen-2, Align-GVGD) all suggest that this variant is likely to be tolerated. This variant has not been reported in the literature in individuals affected with PRPF6-related conditions. This variant is not present in population databases (ExAC no frequency). This sequence change replaces leucine with methionine at codon 697 of the PRPF6 protein (p.Leu697Met). The leucine residue is highly conserved and there is a small physicochemical difference between leucine and methionine.

NM_012469.4(PRPF6):c.2089C>A (p.Leu697Met)

Gene: PRPF6 (pre-mRNA processing factor 6; plus strand). Cytogenetic location: 20q13.33.
Variant type: single nucleotide variant.
Coding change: c.2089C>A on transcript NM_012469.4 (MANE Select); coding-DNA position 2089, C replaced by A.
Protein change: p.Leu697Met; replaces leucine 697 with methionine.
Molecular consequence: missense variant.
Genome position (GRCh38, 1-based): chr20:64,027,042, C>A. VCF-style: chr20-64027042-C-A. GRCh37 (hg19) VCF-style: chr20-62658395-C-A.
Other names: short protein forms L697M.
Identifiers: ClinVar variation 1510028 (VCV001510028.6), dbSNP rs986033497, ClinGen allele CA409739692.